The following is an entry in ClinVar:

ClinVar aggregate classification (germline): Likely benign (1 of 4 stars; one submission).

gnomAD v4.1: 152 of 1,610,734 alleles (0.0094%); highest among the groups gnomAD compares: Middle Eastern, 0.13%; no homozygotes.

Submission:

CeGaT Center for Human Genetics Tuebingen
Classification: Likely benign. Last evaluated: 2026-01-01. Review status: criteria provided, single submitter. Criteria: CeGaT Center For Human Genetics Tuebingen Variant Classification Criteria Version 2. Collection method: clinical testing. Allele origin: germline. Affected: yes. Observed: 1 variant allele.
Comment: ALKBH8: BP4, BP7

NM_138775.3(ALKBH8):c.186C>T (p.Leu62=)

Gene: ALKBH8 (alkB homolog 8, tRNA methyltransferase; minus strand). Cytogenetic location: 11q22.3.
Variant type: single nucleotide variant.
Coding change: c.186C>T on transcript NM_138775.3 (MANE Select); coding-DNA position 186, C replaced by T.
Protein change: p.Leu62=; no amino-acid change (leucine 62 retained).
Molecular consequence: synonymous variant. On other transcripts: non-coding transcript variant (6).
Genome position (GRCh38, 1-based): chr11:107,556,947, G>A on the plus strand (C>T on the coding strand, the complement: ALKBH8 is on the minus strand). VCF-style: chr11-107556947-G-A. GRCh37 (hg19) VCF-style: chr11-107427673-G-A.
Other names: c.186C>T, p.Leu62= (NM_001301010.3, NM_001378133.1).
Identifiers: ClinVar variation 4820801 (VCV004820801.4).
Genomic context (GRCh38, chr11:107,556,947, plus strand): 5'-GTACGGCTTGTTAGGTGGCATTAAGAGAGCATCCACCAGTCCACATTTCTCTAAAACCGG[G>A]AGCAGCTGGTTCCGACTCACACCATTACCCAAACCACCATTGGCAACAACCAGGCTCTTA-3'
Protein context (NP_620130.2, residues 52-72): LGNGVSRNQL[Leu62=]PVLEKCGLVD